The following is an entry in ClinVar:

ClinVar aggregate classification (germline): Uncertain significance (1 of 4 stars; one submission).

Conditions:
Glycogen storage disease, type VI (GSD6). Also called: Glycogen storage disease type 6, due to phosphorylation; GSD VI; Glycogen storage disease type 6; Hepatic glycogen phosphorylase deficiency; HERS DISEASE; PHOSPHORYLASE DEFICIENCY GLYCOGEN-STORAGE DISEASE OF LIVER. Identifiers: Orphanet 369, MedGen C0017925, MONDO:0009294, OMIM 232700.

gnomAD v4.1: 4 of 1,568,560 alleles (0.00026%); highest among the groups gnomAD compares: Non-Finnish European, 0.00026%; no homozygotes.

Submission:

Labcorp Genetics (formerly Invitae), Labcorp
Classification: Uncertain significance for Glycogen storage disease, type VI. Last evaluated: 2024-07-12. Review status: criteria provided, single submitter. Criteria: Invitae Variant Classification Sherloc (09022015). Collection method: clinical testing. Allele origin: germline.
Comment: This sequence change replaces aspartic acid, which is acidic and polar, with glycine, which is neutral and non-polar, at codon 761 of the PYGL protein (p.Asp761Gly). This variant is not present in population databases (gnomAD no frequency). This variant has not been reported in the literature in individuals affected with PYGL-related conditions. Advanced modeling of protein sequence and biophysical properties (such as structural, functional, and spatial information, amino acid conservation, physicochemical variation, residue mobility, and thermodynamic stability) performed at Invitae indicates that this missense variant is not expected to disrupt PYGL protein function with a negative predictive value of 80%. In summary, the available evidence is currently insufficient to determine the role of this variant in disease. Therefore, it has been classified as a Variant of Uncertain Significance.

NM_002863.5(PYGL):c.2282A>G (p.Asp761Gly)

Gene: PYGL (glycogen phosphorylase L; minus strand). Cytogenetic location: 14q22.1.
Variant type: single nucleotide variant.
Coding change: c.2282A>G on transcript NM_002863.5 (MANE Select); coding-DNA position 2282, A replaced by G.
Protein change: p.Asp761Gly; replaces aspartic acid 761 with glycine.
Molecular consequence: missense variant.
Genome position (GRCh38, 1-based): chr14:50,908,851, T>C on the plus strand (A>G on the coding strand, the complement: PYGL is on the minus strand). VCF-style: chr14-50908851-T-C. GRCh37 (hg19) VCF-style: chr14-51375569-T-C.
Other names: c.2180A>G, p.Asp727Gly (NM_001163940.2); short protein forms D727G, D761G.
Identifiers: ClinVar variation 3686038 (VCV003686038.2).
Genomic context (GRCh38, chr14:50,908,851, plus strand): 5'-AAATAGCACCATCTTCTTATGGGAACTCACCTGTCATGATAAAATAGCATGTTGATGATA[T>C]CTTTGAAGAGGTCAGGCTGCTTGGGAGAAAAAAAGCCATTGTCAATTTGATCAATGACCA-3'
Protein context (NP_002854.3, residues 751-771): FSPKQPDLFK[Asp761Gly]IINMLFYHDR